The following is an entry in ClinVar:

ClinVar aggregate classification (germline): Likely pathogenic (1 of 4 stars; one submission).

Conditions:
Cholestasis-pigmentary retinopathy-cleft palate syndrome (HDKR). Also called: Hardikar Syndrome (HS). Identifiers: Orphanet 1415, MedGen C0795969, MeSH C535632, MONDO:0012997, OMIM 301068.

Submission:

Molecular Genetics Department, Kulakov National Medical Research Center for Obstetrics, Gynecology and Perinatology
Classification: Likely pathogenic for Cholestasis-pigmentary retinopathy-cleft palate syndrome. Review status: criteria provided, single submitter. Criteria: ACMG Guidelines, 2015. Collection method: clinical testing. Allele origin: germline. Affected: yes.
Comment: A previously undescribed nucleotide variant creates a premature translation stop signal p.Gln2059Ter in the MED12 gene. Loss-of-function variants are reported in patients with Hardikar syndrome, 301068. The variant is not present in population database (gnomAD no frequency). In summary, the currently available evidence indicates that the variant is pathogenic, but additional data are needed to prove that conclusively. Therefore, this variant has been classified as likely pathogenic.

NM_005120.3(MED12):c.6175C>T (p.Gln2059Ter)

Gene: MED12 (mediator complex subunit 12; plus strand). Cytogenetic location: Xq13.1.
Variant type: single nucleotide variant.
Coding change: c.6175C>T on transcript NM_005120.3 (MANE Select); coding-DNA position 6175, C replaced by T.
Protein change: p.Gln2059Ter; replaces glutamine 2059 with a stop codon.
Molecular consequence: nonsense.
Genome position (GRCh38, 1-based): chrX:71,140,765, C>T. VCF-style: chrX-71140765-C-T. GRCh37 (hg19) VCF-style: chrX-70360615-C-T.
Other names: short protein forms Q2059*.
Identifiers: ClinVar variation 3062316 (VCV003062316.1), dbSNP rs2519721034, ClinGen allele CA413540148.